The following is an entry in ClinVar:

ClinVar aggregate classification (germline): Uncertain significance. Review status: criteria provided, multiple submitters, no conflicts (2 of 4 stars). 2 submissions from 2 submitters: Uncertain significance (2). Last evaluated 2024-11-01.

Conditions:
Inborn genetic diseases. Identifiers: MedGen C0950123, MeSH D030342.

Allele frequency attached by ClinVar (database versions not stated): ExAC 0.00001; gnomAD exomes 0.00001.
gnomAD v4.1: 16 of 1,610,668 alleles (0.00099%); highest among the groups gnomAD compares: East Asian, 0.0022%; no homozygotes.

Submissions (2):

CeGaT Center for Human Genetics Tuebingen
Classification: Uncertain significance. Last evaluated: 2024-11-01. Review status: criteria provided, single submitter. Criteria: CeGaT Center For Human Genetics Tuebingen Variant Classification Criteria Version 2. Collection method: clinical testing. Allele origin: germline. Affected: yes. Observed: 1 variant allele.
Comment: VPS16: PM2

Ambry Genetics
Classification: Uncertain significance for Inborn genetic diseases. Last evaluated: 2021-08-17. Review status: criteria provided, single submitter. Criteria: Ambry Variant Classification Scheme 2023. Collection method: clinical testing. Allele origin: germline.

NM_022575.4(VPS16):c.817C>T (p.Arg273Cys)

Gene: VPS16 (VPS16 core subunit of CORVET and HOPS complexes; plus strand). Cytogenetic location: 20p13.
Variant type: single nucleotide variant.
Coding change: c.817C>T on transcript NM_022575.4 (MANE Select); coding-DNA position 817, C replaced by T.
Protein change: p.Arg273Cys; replaces arginine 273 with cysteine.
Molecular consequence: missense variant.
Genome position (GRCh38, 1-based): chr20:2,861,622, C>T. VCF-style: chr20-2861622-C-T. GRCh37 (hg19) VCF-style: chr20-2842268-C-T.
Other names: c.817C>T, p.Arg273Cys (NM_080413.3); short protein forms R273C.
Identifiers: ClinVar variation 2387651 (VCV002387651.16), dbSNP rs771673273, ClinGen allele CA9737486.
Genomic context (GRCh38, chr20:2,861,622, plus strand): 5'-GGGAGACATGGCCATGGGACAGTGTCTAGCCAGTGTGTATATGCTGCTCACAGGTGCAGC[C>T]GTCCTCGTAGCAAGGAGAGGGCCGTGGTGGTGGCCTGGGAAAGGCGGCTGATGGTGGTGG-3'
Protein context (NP_072097.2, residues 263-283): APPKQMVWCS[Arg273Cys]PRSKERAVVV